The following is an entry in ClinVar:

NM_004415.4(DSP):c.6631C>T (p.Gln2211Ter)

Gene: DSP (desmoplakin; plus strand). Cytogenetic location: 6p24.3.
Variant type: single nucleotide variant.
Coding change: c.6631C>T on transcript NM_004415.4 (MANE Select); coding-DNA position 6631, C replaced by T.
Protein change: p.Gln2211Ter; replaces glutamine 2211 with a stop codon.
Molecular consequence: nonsense.
Genome position (GRCh38, 1-based): chr6:7,583,893, C>T. VCF-style: chr6-7583893-C-T. GRCh37 (hg19) VCF-style: chr6-7584126-C-T.
Other names: c.4834C>T, p.Gln1612Ter (NM_001008844.3); c.5302C>T, p.Gln1768Ter (NM_001319034.2); short protein forms Q2211*, Q1612*, Q1768*.
Identifiers: ClinVar variation 1754576 (VCV001754576.2), dbSNP rs2533942281, ClinGen allele CA362691208.

ClinVar aggregate classification (germline): Pathogenic (1 of 4 stars; one submission).

Conditions:
Cardiovascular phenotype. Identifiers: MedGen CN230736.

Submission:

Ambry Genetics
Classification: Pathogenic for Cardiovascular phenotype. Last evaluated: 2021-05-09. Review status: criteria provided, single submitter. Criteria: Ambry Variant Classification Scheme 2023. Collection method: clinical testing. Allele origin: germline.
Comment: The p.Q2211* pathogenic mutation (also known as c.6631C>T), located in coding exon 24 of the DSP gene, results from a C to T substitution at nucleotide position 6631. This changes the amino acid from a glutamine to a stop codon within coding exon 24. This alteration occurs at the 3' terminus of theDSP gene, is not expected to trigger nonsense-mediated mRNA decay, and impacts the last 23% (661 amino acids) of the protein. However, premature stop codons are typically deleterious in nature, and the impacted region is critical for protein (Ambry internal data). Alterations in DSP that result in haploinsufficiency or protein truncation have been reported in patients with arrhythmogenic right ventricular cardiomyopathy (ARVC) and dilated cardiomyopathy (DCM) (Fressart V et al. Europace. 2010;12(6):861-8; Elliott P et al. Circ Cardiovasc Genet. 2010;3(4):314-22; Quarta G et al. Circulation. 2011;123(23):2701-9; Garcia-Pavia P et al. Heart. 2011;97(21):1744-52; Rasmussen TB et al. Clin Genet. 2013;84(1):20-30; Pugh TJ et al. Genet Med. 2014;16(8):601-8). Based on the supporting evidence, this alteration is interpreted as a disease-causing mutation.